The following is an entry in ClinVar:

ClinVar aggregate classification (germline): Conflicting classifications of pathogenicity. Review status: criteria provided, conflicting classifications (1 of 4 stars). 4 submissions from 4 submitters: Uncertain significance (3); Benign (1). Last evaluated 2025-12-11.

Conditions:
Singleton-Merten syndrome 1 (SGMRT1). Also called: Widened medullary cavities of bone, aortic calcification, abnormal dentition, and muscular weakness; Syndrome of widened medullary cavities of the metacarpals and phalanges, aortic calcification and abnormal dentition. Identifiers: Orphanet 85191, MedGen C4225427, MONDO:0024535, OMIM 182250.
Immunodeficiency 95 (IMD95). Identifiers: MedGen C5676929, MONDO:0030692, OMIM 619773.
Aicardi-Goutieres syndrome 7 (AGS7). Identifiers: Orphanet 51, MedGen C3888244, MONDO:0014367, OMIM 615846.

Submissions (4):

Labcorp Genetics (formerly Invitae), Labcorp
Classification: Benign for Aicardi-Goutieres syndrome 7; Singleton-Merten syndrome 1. Last evaluated: 2025-12-11. Review status: criteria provided, single submitter. Criteria: Invitae Variant Classification Sherloc (09022015). Collection method: clinical testing. Allele origin: germline.

Mayo Clinic Laboratories, Mayo Clinic
Classification: Uncertain significance. Last evaluated: 2025-06-09. Review status: criteria provided, single submitter. Criteria: ACMG Guidelines, 2015. Collection method: clinical testing. Allele origin: germline. Observed: 1 variant allele.
Comment: PVS1

Blueprint Genetics
Classification: Uncertain significance. Last evaluated: 2024-11-04. Review status: criteria provided, single submitter. Criteria: ACMG Guidelines, 2015. Collection method: clinical testing. Allele origin: germline.

Fulgent Genetics
Classification: Uncertain significance for Singleton-Merten syndrome 1; Aicardi-Goutieres syndrome 7; Immunodeficiency 95. Last evaluated: 2022-02-25. Review status: criteria provided, single submitter. Criteria: ACMG Guidelines, 2015. Collection method: clinical testing. Allele origin: unknown.

NM_022168.4(IFIH1):c.1589del (p.Asn530fs)

Gene: IFIH1 (interferon induced with helicase C domain 1; minus strand). Cytogenetic location: 2q24.2.
Variant type: Deletion.
Coding change: c.1589del on transcript NM_022168.4 (MANE Select); coding-DNA position 1589, one base deleted (A; older notation c.1589delA).
Protein change: p.Asn530fs; shifts the reading frame from asparagine 530.
Molecular consequence: frameshift variant.
Genome position (GRCh38, 1-based): chr2:162,280,048, T deleted on the plus strand (A on the coding strand, the reverse complement: IFIH1 is on the minus strand); the first of 5 consecutive T bases (chr2:162,280,048-162,280,052); deleting any one gives the same sequence. VCF-style (leftmost placement, unchanged base first): chr2-162280047-GT-G. GRCh37 (hg19) VCF-style: chr2-163136557-GT-G.
Other names: p.Asn530Thrfs*26; short protein forms N530fs.
Identifiers: ClinVar variation 837942 (VCV000837942.10), dbSNP rs779192156, ClinGen allele CA1934477.